The following is an entry in ClinVar:

NM_198576.4(AGRN):c.4732C>T (p.Pro1578Ser)

Gene: AGRN (agrin; plus strand). Cytogenetic location: 1p36.33.
Variant type: single nucleotide variant.
Coding change: c.4732C>T on transcript NM_198576.4 (MANE Select); coding-DNA position 4732, C replaced by T.
Protein change: p.Pro1578Ser; replaces proline 1578 with serine.
Molecular consequence: missense variant.
Genome position (GRCh38, 1-based): chr1:1,049,783, C>T. VCF-style: chr1-1049783-C-T. GRCh37 (hg19) VCF-style: chr1-985163-C-T.
Other names: c.4732C>T, p.Pro1578Ser (NM_001305275.2); c.4417C>T, p.Pro1473Ser (NM_001364727.2); short protein forms P1473S, P1578S.
Identifiers: ClinVar variation 1012127 (VCV001012127.8), dbSNP rs1645221054, ClinGen allele CA337779253.

ClinVar aggregate classification (germline): Uncertain significance (1 of 4 stars; one submission).

Conditions:
Congenital myasthenic syndrome 8. Also called: Myasthenic syndrome, congenital, 8, with pre- and postsynaptic defects; MYASTHENIC SYNDROME, CONGENITAL, DUE TO AGRIN DEFICIENCY. Identifiers: Orphanet 590, MedGen C3808739, MONDO:0014052, OMIM 615120.

Allele frequency attached by ClinVar (database versions not stated): gnomAD exomes below 0.00001.
gnomAD v4.1: 4 of 1,594,484 alleles (0.00025%); highest among the groups gnomAD compares: Non-Finnish European, 0.00034%; no homozygotes.

Submission:

Labcorp Genetics (formerly Invitae), Labcorp
Classification: Uncertain significance for Congenital myasthenic syndrome 8. Last evaluated: 2025-04-07. Review status: criteria provided, single submitter. Criteria: Invitae Variant Classification Sherloc (09022015). Collection method: clinical testing. Allele origin: germline.
Comment: This sequence change replaces proline, which is neutral and non-polar, with serine, which is neutral and polar, at codon 1578 of the AGRN protein (p.Pro1578Ser). This variant is not present in population databases (gnomAD no frequency). This variant has not been reported in the literature in individuals affected with AGRN-related conditions. ClinVar contains an entry for this variant (Variation ID: 1012127). An algorithm developed to predict the effect of missense changes on protein structure and function (PolyPhen-2) suggests that this variant is likely to be tolerated. In summary, the available evidence is currently insufficient to determine the role of this variant in disease. Therefore, it has been classified as a Variant of Uncertain Significance.